The following is an entry in ClinVar:

ClinVar aggregate classification (germline): Uncertain significance (1 of 4 stars; one submission).

Allele frequency attached by ClinVar (database versions not stated): TOPMed below 0.00001; gnomAD 0.00001; gnomAD exomes 0.00001.
gnomAD v4.1: 5 of 1,611,582 alleles (0.00031%); highest among the groups gnomAD compares: Non-Finnish European, 0.00042%; no homozygotes.

Submission:

Labcorp Genetics (formerly Invitae), Labcorp
Classification: Uncertain significance. Last evaluated: 2023-06-22. Review status: criteria provided, single submitter. Criteria: Invitae Variant Classification Sherloc (09022015). Collection method: clinical testing. Allele origin: germline.
Comment: In summary, the available evidence is currently insufficient to determine the role of this variant in disease. Therefore, it has been classified as a Variant of Uncertain Significance. Advanced modeling of protein sequence and biophysical properties (such as structural, functional, and spatial information, amino acid conservation, physicochemical variation, residue mobility, and thermodynamic stability) performed at Invitae indicates that this missense variant is not expected to disrupt ASXL2 protein function. This variant has not been reported in the literature in individuals affected with ASXL2-related conditions. This variant is present in population databases (no rsID available, gnomAD 0.0009%). This sequence change replaces proline, which is neutral and non-polar, with leucine, which is neutral and non-polar, at codon 1297 of the ASXL2 protein (p.Pro1297Leu).

NM_018263.6(ASXL2):c.3890C>T (p.Pro1297Leu)

Gene: ASXL2 (ASXL transcriptional regulator 2; minus strand). Cytogenetic location: 2p23.3.
Variant type: single nucleotide variant.
Coding change: c.3890C>T on transcript NM_018263.6 (MANE Select); coding-DNA position 3890, C replaced by T.
Protein change: p.Pro1297Leu; replaces proline 1297 with leucine.
Molecular consequence: missense variant.
Genome position (GRCh38, 1-based): chr2:25,742,447, G>A on the plus strand (C>T on the coding strand, the complement: ASXL2 is on the minus strand). VCF-style: chr2-25742447-G-A. GRCh37 (hg19) VCF-style: chr2-25965316-G-A.
Other names: c.3716C>T, p.Pro1239Leu (NM_001369346.1); c.3110C>T, p.Pro1037Leu (NM_001369347.1); short protein forms P1239L, P1037L, P1297L.
Identifiers: ClinVar variation 2878519 (VCV002878519.3), dbSNP rs1228376665, ClinGen allele CA346075414.